The following is an entry in ClinVar:

ClinVar aggregate classification (germline): Uncertain significance (1 of 4 stars; one submission).

Conditions:
Familial hypocalciuric hypercalcemia (FHH). Also called: Familial benign hypercalcemia. Identifiers: Orphanet 405, MedGen C1809471, MONDO:0018458.
Autosomal dominant hypocalcemia 1 (HYPOC1). Also called: HYPOCALCEMIA, FAMILIAL. Identifiers: MedGen C3715128, MONDO:0011013, OMIM 601198.

Submission:

Labcorp Genetics (formerly Invitae), Labcorp
Classification: Uncertain significance for Familial hypocalciuric hypercalcemia; Autosomal dominant hypocalcemia 1. Last evaluated: 2024-12-02. Review status: criteria provided, single submitter. Criteria: Invitae Variant Classification Sherloc (09022015). Collection method: clinical testing. Allele origin: germline.
Comment: This sequence change creates a premature translational stop signal (p.Gln1001*) in the CASR gene. While this is not anticipated to result in nonsense mediated decay, it is expected to disrupt the last 78 amino acid(s) of the CASR protein. This variant is not present in population databases (gnomAD no frequency). This variant has not been reported in the literature in individuals affected with CASR-related conditions. ClinVar contains an entry for this variant (Variation ID: 2941022). In summary, the available evidence is currently insufficient to determine the role of this variant in disease. Therefore, it has been classified as a Variant of Uncertain Significance.

NM_000388.4(CASR):c.3001C>T (p.Gln1001Ter)

Gene: CASR (calcium sensing receptor; plus strand). Cytogenetic location: 3q21.1.
Variant type: single nucleotide variant.
Coding change: c.3001C>T on transcript NM_000388.4 (MANE Select); coding-DNA position 3001, C replaced by T.
Protein change: p.Gln1001Ter; replaces glutamine 1001 with a stop codon.
Molecular consequence: nonsense.
Genome position (GRCh38, 1-based): chr3:122,284,955, C>T. VCF-style: chr3-122284955-C-T. GRCh37 (hg19) VCF-style: chr3-122003802-C-T.
Other names: c.3031C>T, p.Gln1011Ter (NM_001178065.2); short protein forms Q1011*, Q1001*.
Identifiers: ClinVar variation 2941022 (VCV002941022.3), dbSNP rs756322971, ClinGen allele CA354161237.